The following is an entry in ClinVar:

NM_018297.4(NGLY1):c.1736del (p.Gly579fs)

Gene: NGLY1 (N-glycanase 1; minus strand). Cytogenetic location: 3p24.2.
Variant type: Deletion.
Coding change: c.1736del on transcript NM_018297.4 (MANE Select); coding-DNA position 1736, one base deleted (G; older notation c.1736delG).
Protein change: p.Gly579fs; shifts the reading frame from glycine 579.
Molecular consequence: frameshift variant. On other transcripts: intron variant (1).
Genome position (GRCh38, 1-based): chr3:25,720,067, C deleted on the plus strand (G on the coding strand, the reverse complement: NGLY1 is on the minus strand); the first of 2 consecutive C bases (chr3:25,720,067-25,720,068); deleting either gives the same sequence. VCF-style (leftmost placement, unchanged base first): chr3-25720066-TC-T. GRCh37 (hg19) VCF-style: chr3-25761557-TC-T.
Other names: c.1682del, p.Gly561fs (NM_001145293.2); c.1610del, p.Gly537fs (NM_001145294.2); c.1612-432del (NM_001145295.2); short protein forms G537fs, G561fs, G579fs.
Identifiers: ClinVar variation 2067984 (VCV002067984.4), dbSNP rs2470481181, ClinGen allele CA2580069213.

ClinVar aggregate classification (germline): Pathogenic (1 of 4 stars; one submission).

Conditions:
Congenital disorder of deglycosylation (CDDG). Identifiers: MedGen C3808991, MONDO:0031376.

Submission:

Labcorp Genetics (formerly Invitae), Labcorp
Classification: Pathogenic for Congenital disorder of deglycosylation. Last evaluated: 2022-08-10. Review status: criteria provided, single submitter. Criteria: Invitae Variant Classification Sherloc (09022015). Collection method: clinical testing. Allele origin: germline.
Comment: This sequence change creates a premature translational stop signal (p.Gly579Glufs*3) in the NGLY1 gene. While this is not anticipated to result in nonsense mediated decay, it is expected to disrupt the last 76 amino acid(s) of the NGLY1 protein. This variant is not present in population databases (gnomAD no frequency). This variant has not been reported in the literature in individuals affected with NGLY1-related conditions. This variant disrupts a region of the NGLY1 protein in which other variant(s) (p.Gln631Serfs*7) have been determined to be pathogenic (PMID: 22581936, 24651605, 25900930, 27388694). This suggests that this is a clinically significant region of the protein, and that variants that disrupt it are likely to be disease-causing. For these reasons, this variant has been classified as Pathogenic.

Literature cited by the submitters: PubMed 22581936; PubMed 24651605; PubMed 25900930; PubMed 27388694.